The following is an entry in ClinVar:

ClinVar aggregate classification (germline): Likely benign (1 of 4 stars; one submission).

Allele frequency attached by ClinVar (database versions not stated): gnomAD 0.00746 and 0.00789; TOPMed 0.00875; 1000 Genomes Project 0.00978; 1000 Genomes Project 30x 0.01046.
gnomAD v4.1: 1,477 of 853,802 alleles (0.17%); highest among the groups gnomAD compares: African/African-American, 2.4%; 15 homozygotes.

Submission:

GeneDx
Classification: Likely benign. Last evaluated: 2021-12-01. Review status: criteria provided, single submitter. Criteria: GeneDx Variant Classification Process June 2021. Collection method: clinical testing. Allele origin: germline. Affected: yes.
Comment: See Variant Classification Assertion Criteria.

NC_000011.10:g.68842043G>A

Genes: CPT1A (carnitine palmitoyltransferase 1A; minus strand), LOC130006268 (ATAC-STARR-seq lymphoblastoid silent region 3684; plus strand). Cytogenetic location: 11q13.3.
Variant type: single nucleotide variant.
Genome position: GRCh38 VCF-style: chr11-68842043-G-A. GRCh37 (hg19) VCF-style: chr11-68609511-G-A.
Identifiers: ClinVar variation 1691131 (VCV001691131.3), dbSNP rs115974092, ClinGen allele CA223386823.
Genomic context (GRCh38, chr11:68,842,043, plus strand): 5'-GGGCCTCGGCGGGGCGGGGCGTCCGCGGGGCTAGGAGGGGAGGGAAACTGAGGCTCGAGC[G>A]GGTGCTCGCGTCCTCGACCTCTGCCGGAATGGGGTCTAGGACGAGATTCCTCACCCTCCG-3'